The following is an entry in ClinVar:

NM_001927.4(DES):c.898G>A (p.Val300Met)

Gene: DES (desmin; plus strand). Cytogenetic location: 2q35.
Variant type: single nucleotide variant.
Coding change: c.898G>A on transcript NM_001927.4 (MANE Select); coding-DNA position 898, G replaced by A.
Protein change: p.Val300Met; replaces valine 300 with methionine.
Molecular consequence: missense variant. On other transcripts: intron variant (1).
Genome position (GRCh38, 1-based): chr2:219,420,828, G>A. VCF-style: chr2-219420828-G-A. GRCh37 (hg19) VCF-style: chr2-220285550-G-A.
Other names: c.895G>A, p.Val299Met (NM_001382708.1); c.898G>A, p.Val300Met (NM_001382710.1, NM_001382711.1, NM_001382712.1); c.628G>A, p.Val210Met (NM_001382713.1); c.735+482G>A (NM_001382709.1); short protein forms V210M, V299M, V300M.
Identifiers: ClinVar variation 1430835 (VCV001430835.6), dbSNP rs2125168133, ClinGen allele CA350692133.
Genomic context (GRCh38, chr2:219,420,828, plus strand): 5'-GCTCATCCCTACCCGTGCCCTGCATCCTTCTCATTTTTGGGCCCCTTTCTCTGCCCTTAG[G>A]TGTCAGACCTGACCCAGGCAGCCAACAAGAACAACGACGCCCTGCGCCAGGCCAAGCAGG-3'
Protein context (NP_001918.3, residues 290-310): SEAEEWYKSK[Val300Met]SDLTQAANKN

ClinVar aggregate classification (germline): Uncertain significance (1 of 4 stars; one submission).

Conditions:
Desmin-related myofibrillar myopathy (MFM1). Also called: Desminopathy; Desmin related myopathy (former name); Desmin storage myopathy (former name); MYOFIBRILLAR MYOPATHY WITH ARRHYTHMOGENIC RIGHT VENTRICULAR CARDIOMYOPATHY; DESMIN-RELATED MYOPATHY WITH ARRHYTHMOGENIC RIGHT VENTRICULAR CARDIOMYOPATHY; Myofibrillar myopathy 1. Identifiers: Orphanet 363543, Orphanet 98909, MedGen C1832370, MONDO:0011076, OMIM 601419.

Submission:

Labcorp Genetics (formerly Invitae), Labcorp
Classification: Uncertain significance for Desmin-related myofibrillar myopathy. Last evaluated: 2021-08-03. Review status: criteria provided, single submitter. Criteria: Invitae Variant Classification Sherloc (09022015). Collection method: clinical testing. Allele origin: germline.
Comment: In summary, the available evidence is currently insufficient to determine the role of this variant in disease. Therefore, it has been classified as a Variant of Uncertain Significance. Algorithms developed to predict the effect of missense changes on protein structure and function are either unavailable or do not agree on the potential impact of this missense change (SIFT: "Deleterious"; PolyPhen-2: "Probably Damaging"; Align-GVGD: "Class C0"). This variant has not been reported in the literature in individuals affected with DES-related conditions. This variant is not present in population databases (ExAC no frequency). This sequence change replaces valine with methionine at codon 300 of the DES protein (p.Val300Met). The valine residue is highly conserved and there is a small physicochemical difference between valine and methionine.